The following is an entry in ClinVar:

ClinVar aggregate classification (germline): Benign/Likely benign. Review status: criteria provided, multiple submitters, no conflicts (2 of 4 stars). 4 submissions from 4 submitters: Benign (1); Likely benign (3). Last evaluated 2026-06-01.

Allele frequency attached by ClinVar (database versions not stated): 1000 Genomes Project 0.00160; 1000 Genomes Project 30x 0.00203; TOPMed 0.00203; ESP Exome Variant Server 0.00300; gnomAD 0.00369 and 0.00384; gnomAD exomes 0.00411; ExAC 0.00439.
gnomAD v4.1: 5,260 of 1,613,982 alleles (0.33%); highest among the groups gnomAD compares: Non-Finnish European, 0.31%; 32 homozygotes.

Submissions (4):

CeGaT Center for Human Genetics Tuebingen
Classification: Likely benign. Last evaluated: 2026-06-01. Review status: criteria provided, single submitter. Criteria: CeGaT Center For Human Genetics Tuebingen Variant Classification Criteria Version 2. Collection method: clinical testing. Allele origin: germline. Affected: yes. Observed: 11 variant alleles.
Comment: ZC3H14: BP4, BS2

Labcorp Genetics (formerly Invitae), Labcorp
Classification: Benign. Last evaluated: 2019-12-31. Review status: criteria provided, single submitter. Criteria: Invitae Variant Classification Sherloc (09022015). Collection method: clinical testing. Allele origin: germline.

Genetic Services Laboratory, University of Chicago
Classification: Likely benign. Last evaluated: 2015-12-17. Review status: criteria provided, single submitter. Criteria: ACMG Guidelines, 2015. Collection method: clinical testing. Allele origin: germline. Affected: no.

Breakthrough Genomics
Classification: Likely benign. Review status: criteria provided, single submitter. Criteria: ACMG Guidelines, 2015. Collection method: not provided. Allele origin: germline. Inheritance: Autosomal recessive inheritance. Affected: yes.

NM_024824.5(ZC3H14):c.1304C>T (p.Ser435Phe)

Gene: ZC3H14 (zinc finger CCCH-type containing 14; plus strand). Cytogenetic location: 14q31.3.
Variant type: single nucleotide variant.
Coding change: c.1304C>T on transcript NM_024824.5 (MANE Select); coding-DNA position 1304, C replaced by T.
Protein change: p.Ser435Phe; replaces serine 435 with phenylalanine.
Molecular consequence: missense variant. On other transcripts: non-coding transcript variant (1), intron variant (14).
Genome position (GRCh38, 1-based): chr14:88,596,758, C>T. VCF-style: chr14-88596758-C-T. GRCh37 (hg19) VCF-style: chr14-89063102-C-T.
Other names: c.1304C>T, p.Ser435Phe (NM_001160103.2, NM_001160104.2, NM_001326295.2 and 1 more transcripts); c.1202C>T, p.Ser401Phe (NM_001326297.2, NM_001326315.2, NM_001326316.2 and 1 more transcripts); c.839C>T, p.Ser280Phe (NM_001326300.2, NM_001326302.2, NM_001326304.2 and 1 more transcripts); c.410C>T, p.Ser137Phe (NM_207662.4); c.1178-5166C>T (NM_001326301.2); c.1178-10485C>T (NM_001326303.2); c.1280-5166C>T (NM_001326307.2, NM_001326296.2, NM_001326312.2 and 1 more transcripts); c.1280-10485C>T (NM_001326298.2, NM_207660.4); and 3 more; short protein forms S435F, S280F, S401F, S137F.
Identifiers: ClinVar variation 212620 (VCV000212620.34), dbSNP rs45518831, ClinGen allele CA207279.